The following is an entry in ClinVar:

ClinVar aggregate classification (germline): Uncertain significance. Review status: criteria provided, multiple submitters, no conflicts (2 of 4 stars). 2 submissions from 2 submitters: Uncertain significance (2). Last evaluated 2025-08-23.

Conditions:
Inborn genetic diseases. Identifiers: MedGen C0950123, MeSH D030342.

Allele frequency attached by ClinVar (database versions not stated): gnomAD exomes 0.00005; TOPMed 0.00005; ExAC 0.00007; 1000 Genomes Project 30x 0.00016; 1000 Genomes Project 0.00020.
gnomAD v4.1: 79 of 1,614,158 alleles (0.0049%); highest among the groups gnomAD compares: Non-Finnish European, 0.0056%; no homozygotes.

Submissions (2):

Ambry Genetics
Classification: Uncertain significance for Inborn genetic diseases. Last evaluated: 2025-08-23. Review status: criteria provided, single submitter. Criteria: Ambry Variant Classification Scheme 2023. Collection method: clinical testing. Allele origin: germline.

Labcorp Genetics (formerly Invitae), Labcorp
Classification: Uncertain significance. Last evaluated: 2023-08-07. Review status: criteria provided, single submitter. Criteria: Invitae Variant Classification Sherloc (09022015). Collection method: clinical testing. Allele origin: germline.
Comment: In summary, the available evidence is currently insufficient to determine the role of this variant in disease. Therefore, it has been classified as a Variant of Uncertain Significance. This sequence change replaces serine, which is neutral and polar, with arginine, which is basic and polar, at codon 288 of the UNC45B protein (p.Ser288Arg). This variant is present in population databases (rs185961738, gnomAD 0.02%). This variant has not been reported in the literature in individuals affected with UNC45B-related conditions. ClinVar contains an entry for this variant (Variation ID: 2553558). Advanced modeling of protein sequence and biophysical properties (such as structural, functional, and spatial information, amino acid conservation, physicochemical variation, residue mobility, and thermodynamic stability) performed at Invitae indicates that this missense variant is not expected to disrupt UNC45B protein function.

NM_001267052.2(UNC45B):c.862A>C (p.Ser288Arg)

Gene: UNC45B (unc-45 myosin chaperone B; plus strand). Cytogenetic location: 17q12.
Variant type: single nucleotide variant.
Coding change: c.862A>C on transcript NM_001267052.2 (MANE Select); coding-DNA position 862, A replaced by C.
Protein change: p.Ser288Arg; replaces serine 288 with arginine.
Molecular consequence: missense variant.
Genome position (GRCh38, 1-based): chr17:35,159,428, A>C. VCF-style: chr17-35159428-A-C. GRCh37 (hg19) VCF-style: chr17-33486447-A-C.
Other names: c.862A>C, p.Ser288Arg (NM_001033576.2, NM_001308281.1, NM_173167.3); short protein forms S288R.
Identifiers: ClinVar variation 2553558 (VCV002553558.6), dbSNP rs185961738, ClinGen allele CA8500967.
Genomic context (GRCh38, chr17:35,159,428, plus strand): 5'-TCTTCAGACACCAAGAAGGACCTGAAGCAGATCACCAGCCACCTGCTGGACATGCTAGTC[A>C]GCAAGAAGGTGTCTGGCCAGGGCAGGGATCAGGCGCTGAACCTGCTCAATAAGAATGTTC-3'
Protein context (NP_001253981.1, residues 278-298): ITSHLLDMLV[Ser288Arg]KKVSGQGRDQ